The following is an entry in ClinVar:

NM_203447.4(DOCK8):c.2350C>T (p.Arg784Cys)

Gene: DOCK8 (dedicator of cytokinesis 8; plus strand). Cytogenetic location: 9p24.3.
Variant type: single nucleotide variant.
Coding change: c.2350C>T on transcript NM_203447.4 (MANE Select); coding-DNA position 2350, C replaced by T.
Protein change: p.Arg784Cys; replaces arginine 784 with cysteine.
Molecular consequence: missense variant.
Genome position (GRCh38, 1-based): chr9:377,121, C>T. VCF-style: chr9-377121-C-T. GRCh37 (hg19) VCF-style: chr9-377121-C-T.
Other names: c.2146C>T, p.Arg716Cys (NM_001190458.2, NM_001193536.2); c.2350C>T (NM_203447.3); short protein forms R716C, R784C.
Identifiers: ClinVar variation 1041392 (VCV001041392.8), dbSNP rs1251716138, ClinGen allele CA372763327.
Genomic context (GRCh38, chr9:377,121, plus strand): 5'-ATCAGCGAGATGGCGCTGGAGCATGAGCTGAAGCTCAGCATCATCTGCCTGAACTCCTCC[C>T]GCCTGGAGCCGCTCGTGCTCTTCCTGCACCTGGTGCTGGACAAGCTCTTCCAGCTGTCCG-3'
Protein context (NP_982272.2, residues 774-794): KLSIICLNSS[Arg784Cys]LEPLVLFLHL

ClinVar aggregate classification (germline): Uncertain significance. Review status: criteria provided, multiple submitters, no conflicts (2 of 4 stars). 2 submissions from 2 submitters: Uncertain significance (2). Last evaluated 2022-07-25.

Conditions:
Combined immunodeficiency due to DOCK8 deficiency (HIES2). Also called: HIES autosomal recessive; HYPER-IgE RECURRENT INFECTION SYNDROME 2, AUTOSOMAL RECESSIVE; HYPER-IgE SYNDROME 2, AUTOSOMAL RECESSIVE, WITH RECURRENT INFECTIONS; DOCK8 Deficiency; Hyper-IgE recurrent infection syndrome, autosomal recessive. Identifiers: Orphanet 217390, MedGen C4722305, MONDO:0009478, OMIM 243700.

Allele frequency attached by ClinVar (database versions not stated): gnomAD 0.00002; TOPMed 0.00002.
gnomAD v4.1: 13 of 1,610,146 alleles (0.00081%); highest among the groups gnomAD compares: African/African-American, 0.0027%; no homozygotes.

Submissions (2):

Labcorp Genetics (formerly Invitae), Labcorp
Classification: Uncertain significance for Combined immunodeficiency due to DOCK8 deficiency. Last evaluated: 2022-07-25. Review status: criteria provided, single submitter. Criteria: Invitae Variant Classification Sherloc (09022015). Collection method: clinical testing. Allele origin: germline.
Comment: This sequence change replaces arginine, which is basic and polar, with cysteine, which is neutral and slightly polar, at codon 784 of the DOCK8 protein (p.Arg784Cys). This variant is present in population databases (no rsID available, gnomAD 0.0008%). This variant has not been reported in the literature in individuals affected with DOCK8-related conditions. ClinVar contains an entry for this variant (Variation ID: 1041392). Algorithms developed to predict the effect of missense changes on protein structure and function are either unavailable or do not agree on the potential impact of this missense change (SIFT: "Deleterious"; PolyPhen-2: "Possibly Damaging"; Align-GVGD: "Class C15"). In summary, the available evidence is currently insufficient to determine the role of this variant in disease. Therefore, it has been classified as a Variant of Uncertain Significance.

Revvity Omics, Revvity
Classification: Uncertain significance for Combined immunodeficiency due to DOCK8 deficiency. Last evaluated: 2020-03-06. Review status: criteria provided, single submitter. Criteria: ACMG Guidelines, 2015. Collection method: clinical testing. Allele origin: germline.